The following is an entry in ClinVar:

ClinVar aggregate classification (germline): Uncertain significance (1 of 4 stars; one submission).

Allele frequency attached by ClinVar (database versions not stated): gnomAD 0.00001; gnomAD exomes 0.00003; ExAC 0.00004.
gnomAD v4.1: 18 of 1,614,224 alleles (0.0011%); highest among the groups gnomAD compares: South Asian, 0.016%; no homozygotes.

Submission:

Labcorp Genetics (formerly Invitae), Labcorp
Classification: Uncertain significance. Last evaluated: 2022-07-30. Review status: criteria provided, single submitter. Criteria: Invitae Variant Classification Sherloc (09022015). Collection method: clinical testing. Allele origin: germline.
Comment: This sequence change replaces leucine, which is neutral and non-polar, with glutamine, which is neutral and polar, at codon 42 of the RGS9 protein (p.Leu42Gln). This variant is present in population databases (rs769452609, gnomAD 0.03%). This variant has not been reported in the literature in individuals affected with RGS9-related conditions. Algorithms developed to predict the effect of missense changes on protein structure and function are either unavailable or do not agree on the potential impact of this missense change (SIFT: "Deleterious"; PolyPhen-2: "Benign"; Align-GVGD: "Class C0"). In summary, the available evidence is currently insufficient to determine the role of this variant in disease. Therefore, it has been classified as a Variant of Uncertain Significance.

NM_003835.4(RGS9):c.125T>A (p.Leu42Gln)

Gene: RGS9 (regulator of G protein signaling 9; plus strand). Cytogenetic location: 17q24.1.
Variant type: single nucleotide variant.
Coding change: c.125T>A on transcript NM_003835.4 (MANE Select); coding-DNA position 125, T replaced by A.
Protein change: p.Leu42Gln; replaces leucine 42 with glutamine.
Molecular consequence: missense variant.
Genome position (GRCh38, 1-based): chr17:65,153,489, T>A. VCF-style: chr17-65153489-T-A. GRCh37 (hg19) VCF-style: chr17-63149607-T-A.
Other names: c.125T>A, p.Leu42Gln (NM_001081955.3, NM_001165933.2); short protein forms L42Q.
Identifiers: ClinVar variation 1923421 (VCV001923421.5), dbSNP rs769452609, ClinGen allele CA8717489.